The following is an entry in ClinVar:

ClinVar aggregate classification (germline): Uncertain significance. Review status: criteria provided, multiple submitters, no conflicts (2 of 4 stars). 3 submissions from 3 submitters: Uncertain significance (2). 1 of the submissions does not count toward it. Last evaluated 2024-09-13.

Conditions:
Cohen syndrome (COH1). Also called: PEPPER SYNDROME; Cutis verticis gyrata, retinitis pigmentosa, and sensorineural deafness. Identifiers: Orphanet 193, MedGen C0265223, MONDO:0008999, OMIM 216550.

Allele frequency attached by ClinVar (database versions not stated): gnomAD 0.00001; gnomAD exomes 0.00001; TOPMed 0.00001; ExAC 0.00002.
gnomAD v4.1: 9 of 1,614,080 alleles (0.00056%); highest among the groups gnomAD compares: African/African-American, 0.0027%; no homozygotes.

Submissions (3):

GeneDx
Classification: Uncertain significance. Last evaluated: 2024-09-13. Review status: criteria provided, single submitter. Criteria: GeneDx Variant Classification Process June 2021. Collection method: clinical testing. Allele origin: germline. Affected: yes.
Comment: Not observed at significant frequency in large population cohorts (gnomAD); In silico analysis supports that this missense variant has a deleterious effect on protein structure/function; Has not been previously published as pathogenic or benign to our knowledge

Labcorp Genetics (formerly Invitae), Labcorp
Classification: Uncertain significance for Cohen syndrome. Last evaluated: 2022-08-31. Review status: criteria provided, single submitter. Criteria: Invitae Variant Classification Sherloc (09022015). Collection method: clinical testing. Allele origin: germline.
Comment: This sequence change replaces arginine, which is basic and polar, with tryptophan, which is neutral and slightly polar, at codon 3530 of the VPS13B protein (p.Arg3530Trp). This variant is present in population databases (rs763017122, gnomAD 0.007%). This variant has not been reported in the literature in individuals affected with VPS13B-related conditions. ClinVar contains an entry for this variant (Variation ID: 657930). Algorithms developed to predict the effect of missense changes on protein structure and function are either unavailable or do not agree on the potential impact of this missense change (SIFT: "Not Available"; PolyPhen-2: "Possibly Damaging"; Align-GVGD: "Not Available"). In summary, the available evidence is currently insufficient to determine the role of this variant in disease. Therefore, it has been classified as a Variant of Uncertain Significance.

Natera, Inc.
Classification: Uncertain significance for Cohen syndrome. Last evaluated: 2020-02-21. Review status: no assertion criteria provided. Collection method: clinical testing. Allele origin: germline. Not counted in ClinVar's aggregate classification.

NM_152564.5(VPS13B):c.10513C>T (p.Arg3505Trp)

Gene: VPS13B (vacuolar protein sorting 13 homolog B; plus strand). Cytogenetic location: 8q22.2.
Variant type: single nucleotide variant.
Coding change: c.10513C>T on transcript NM_152564.5 (MANE Select); coding-DNA position 10513, C replaced by T.
Protein change: p.Arg3505Trp; replaces arginine 3505 with tryptophan.
Molecular consequence: missense variant.
Genome position (GRCh38, 1-based): chr8:99,853,902, C>T. VCF-style: chr8-99853902-C-T. GRCh37 (hg19) VCF-style: chr8-100866130-C-T.
Other names: c.10588C>T, p.Arg3530Trp (NM_017890.5); c.10588C>T (NM_017890.3); short protein forms R3505W, R3530W.
Identifiers: ClinVar variation 657930 (VCV000657930.7), dbSNP rs763017122, ClinGen allele CA4824960.
Genomic context (GRCh38, chr8:99,853,902, plus strand): 5'-AATGAAGGCAAGAGCATCCTCTGTGATATTAATGAGTTCAGCTTTGAATTAAAACCTGCT[C>T]GGTTATACGTGGAAGACACATTTGTATACTACATCAAGACTTTGTTTGACACCTACCTTC-3'
Protein context (NP_689777.3, residues 3495-3515): NEFSFELKPA[Arg3505Trp]LYVEDTFVYY